The following is an entry in ClinVar:

NM_018941.4(CLN8):c.611G>T (p.Arg204Leu)

Gene: CLN8 (CLN8 transmembrane ER and ERGIC protein; plus strand). Cytogenetic location: 8p23.3.
Variant type: single nucleotide variant.
Coding change: c.611G>T on transcript NM_018941.4 (MANE Select); coding-DNA position 611, G replaced by T.
Protein change: p.Arg204Leu; replaces arginine 204 with leucine.
Molecular consequence: missense variant.
Genome position (GRCh38, 1-based): chr8:1,780,317, G>T. VCF-style: chr8-1780317-G-T. GRCh37 (hg19) VCF-style: chr8-1728483-G-T.
Other names: short protein forms R204L.
Identifiers: ClinVar variation 56715 (VCV000056715.10), dbSNP rs386834134, ClinGen allele CA264182.

ClinVar aggregate classification (germline): Conflicting classifications of pathogenicity. Review status: criteria provided, conflicting classifications (1 of 4 stars). 3 submissions from 3 submitters: Likely pathogenic (1); Uncertain significance (1). 1 of the submissions does not count toward it. Last evaluated 2023-06-20.

Conditions:
Neuronal ceroid lipofuscinosis. Also called: Neuronal Ceroid Lipofuscinoses. Identifiers: Orphanet 216, Orphanet 79263, MedGen C0027877, MONDO:0016295. Disease mechanism: loss of function.
Neuronal ceroid lipofuscinosis 8 (CLN8). Also called: CLN8-Related Neuronal Ceroid-Lipofuscinosis. Identifiers: Orphanet 168491, Orphanet 228354, Orphanet 79264, MedGen C1838570, MONDO:0010830, OMIM 600143.

gnomAD v4.1: 4 of 1,614,238 alleles (0.00025%); highest among the groups gnomAD compares: Non-Finnish European, 0.00034%; no homozygotes.

Submissions (3):

Women's Health and Genetics/Laboratory Corporation of America, LabCorp
Classification: Uncertain significance. Last evaluated: 2023-06-20. Review status: criteria provided, single submitter. Criteria: LabCorp Variant Classification Summary - May 2015. Collection method: clinical testing. Allele origin: germline.
Comment: Variant summary: CLN8 c.611G>T (p.Arg204Leu) results in a non-conservative amino acid change located in the TRAM/LAG1/CLN8 homology domain (IPR006634) of the encoded protein sequence. Five of five in-silico tools predict a damaging effect of the variant on protein function. The variant allele was found at a frequency of 4e-06 in 251312 control chromosomes (gnomAD). c.611G>T has been reported in the literature in the homozygous state in one individual affected with Neuronal Ceroid-Lipofuscinosis (Reinhardt_2010). These data indicate that the variant may be associated with disease. To our knowledge, no experimental evidence demonstrating an impact on protein function has been reported. The following publication has been ascertained in the context of this evaluation (PMID: 19807737). One submitter has provided a clinical-significance assessment for this variant to ClinVar after 2014 and has classified the variant as likely pathogenic. Based on the evidence outlined above, the variant was classified as VUS-possibly pathogenic.

Labcorp Genetics (formerly Invitae), Labcorp
Classification: Likely pathogenic for Neuronal ceroid lipofuscinosis. Last evaluated: 2022-10-14. Review status: criteria provided, single submitter. Criteria: Invitae Variant Classification Sherloc (09022015). Collection method: clinical testing. Allele origin: germline.
Comment: Advanced modeling of protein sequence and biophysical properties (such as structural, functional, and spatial information, amino acid conservation, physicochemical variation, residue mobility, and thermodynamic stability) performed at Invitae indicates that this missense variant is expected to disrupt CLN8 protein function. In summary, the currently available evidence indicates that the variant is pathogenic, but additional data are needed to prove that conclusively. Therefore, this variant has been classified as Likely Pathogenic. This variant disrupts the p.Arg204 amino acid residue in CLN8. Other variant(s) that disrupt this residue have been determined to be pathogenic (PMID: 15024724, 25326637; Invitae). This suggests that this residue is clinically significant, and that variants that disrupt this residue are likely to be disease-causing. ClinVar contains an entry for this variant (Variation ID: 56715). This missense change has been observed in individual(s) with neuronal ceroid lipofuscinosis (PMID: 19807737). This variant is present in population databases (rs386834134, gnomAD 0.0009%). This sequence change replaces arginine, which is basic and polar, with leucine, which is neutral and non-polar, at codon 204 of the CLN8 protein (p.Arg204Leu).

Juha Muilu Group; Institute for Molecular Medicine Finland (FIMM)
Classification: Likely pathogenic for Ceroid lipofuscinosis neuronal 8. Review status: no assertion criteria provided. Collection method: not provided. Allele origin: unknown. Not counted in ClinVar's aggregate classification.
Comment: FinDis database variant: This variant was not found or characterized by our laboratory, data were collected from public sources: see reference
ClinVar note: Converted during submission from probable-pathogenic to Likely pathogenic.

Literature cited by the submitters: PubMed 19807737 (cited by Women's Health and Genetics/Laboratory Corporation of America, LabCorp and Labcorp Genetics (formerly Invitae), Labcorp); PubMed 15024724 (cited by Labcorp Genetics (formerly Invitae), Labcorp); PubMed 25326637 (cited by Labcorp Genetics (formerly Invitae), Labcorp).